The following is an entry in ClinVar:

ClinVar aggregate classification (germline): Likely pathogenic (1 of 4 stars; one submission).

Submission:

GeneDx
Classification: Likely pathogenic. Last evaluated: 2026-08-26. Review status: criteria provided, single submitter. Criteria: GeneDx Variant Classification Process June 2021. Collection method: clinical testing. Allele origin: germline.
Comment: Frameshift variant predicted to result in protein truncation or nonsense mediated decay in a gene for which loss of function is a known mechanism of disease; Not observed at significant frequency in large population cohorts (gnomAD); Has not been previously published as pathogenic or benign to our knowledge

NM_032242.4(PLXNA1):c.2990dup (p.Gly998fs)

Genes: PLXNA1 (plexin A1; plus strand), LOC129937476 (ATAC-STARR-seq lymphoblastoid active region 20450; plus strand). Cytogenetic location: 3q21.3.
Variant type: Duplication.
Coding change: c.2990dup on transcript NM_032242.4 (MANE Select); coding-DNA position 2990, one base duplicated (G; older notation c.2990dupG).
Protein change: p.Gly998fs; shifts the reading frame from glycine 998.
Molecular consequence: frameshift variant.
Genome position (GRCh38, 1-based): chr3:127,015,296, G duplicated; the last of 2 consecutive G bases (chr3:127,015,295-127,015,296); duplicating either gives the same sequence. VCF-style (leftmost placement, unchanged base first): chr3-127015294-C-CG. GRCh37 (hg19) VCF-style: chr3-126734137-C-CG.
Other names: short protein forms G998fs.
Identifiers: ClinVar variation 4686786 (VCV004686786.2).